The following is an entry in ClinVar:

ClinVar aggregate classification (germline): Uncertain significance (1 of 4 stars; one submission).

gnomAD v4.1: 1 of 1,612,896 alleles (0.000062%); highest among the groups gnomAD compares: Non-Finnish European, 0.000085%; no homozygotes.

Submission:

GeneDx
Classification: Uncertain significance. Last evaluated: 2023-04-07. Review status: criteria provided, single submitter. Criteria: GeneDx Variant Classification Process June 2021. Collection method: clinical testing. Allele origin: germline. Affected: yes.
Comment: Not observed at significant frequency in large population cohorts (gnomAD); In silico analysis supports that this missense variant does not alter protein structure/function; Has not been previously published as pathogenic or benign to our knowledge

NM_000548.5(TSC2):c.5315C>G (p.Ser1772Cys)

Gene: TSC2 (TSC complex subunit 2; plus strand). Cytogenetic location: 16p13.3.
Variant type: single nucleotide variant.
Coding change: c.5315C>G on transcript NM_000548.5 (MANE Select); coding-DNA position 5315, C replaced by G.
Protein change: p.Ser1772Cys; replaces serine 1772 with cysteine.
Molecular consequence: missense variant. On other transcripts: non-coding transcript variant (5).
Genome position (GRCh38, 1-based): chr16:2,088,501, C>G. VCF-style: chr16-2088501-C-G. GRCh37 (hg19) VCF-style: chr16-2138502-C-G.
Other names: c.5114C>G, p.Ser1705Cys (NM_001077183.3); c.5246C>G, p.Ser1749Cys (NM_001114382.3); c.5006C>G, p.Ser1669Cys (NM_001318827.2); c.4970C>G, p.Ser1657Cys (NM_001318829.2); c.4583C>G, p.Ser1528Cys (NM_001318831.2); c.5147C>G, p.Ser1716Cys (NM_001318832.2); c.5117C>G, p.Ser1706Cys (NM_001363528.2); c.5183C>G, p.Ser1728Cys (NM_001370404.1); and 27 more; short protein forms S1171C, S1257C, S1258C, S1280C, S1281C, S1301C, S1505C, S1506C.
Identifiers: ClinVar variation 2662458 (VCV002662458.1), dbSNP rs2151639562, ClinGen allele CA394315452.
Genomic context (GRCh38, chr16:2,088,501, plus strand): 5'-TTCAGATCTGCGAGGAAGCCGCCTACTCCAACCCCAGCCTACCTCTGGTGCACCCTCCGT[C>G]CCATAGCAAAGCCCCTGCACAGACTCCAGCCGAGCCCACACCTGGCTATGAGGTGGGCCA-3'
Protein context (NP_000539.2, residues 1762-1782): NPSLPLVHPP[Ser1772Cys]HSKAPAQTPA